The following is an entry in ClinVar:

NM_000273.3(GPR143):c.751C>G (p.Leu251Val)

Gene: GPR143 (G protein-coupled receptor 143; minus strand). Cytogenetic location: Xp22.2.
Variant type: single nucleotide variant.
Coding change: c.751C>G on transcript NM_000273.3 (MANE Select); coding-DNA position 751, C replaced by G.
Protein change: p.Leu251Val; replaces leucine 251 with valine.
Molecular consequence: missense variant.
Genome position (GRCh38, 1-based): chrX:9,743,581, G>C on the plus strand (C>G on the coding strand, the complement: GPR143 is on the minus strand). VCF-style: chrX-9743581-G-C. GRCh37 (hg19) VCF-style: chrX-9711621-G-C.
Other names: c.751C>G (NM_000273.2); short protein forms L251V.
Identifiers: ClinVar variation 1351430 (VCV001351430.10), dbSNP rs199528158, ClinGen allele CA326094005.

ClinVar aggregate classification (germline): Uncertain significance. Review status: criteria provided, multiple submitters, no conflicts (2 of 4 stars). 2 submissions from 2 submitters: Uncertain significance (2). Last evaluated 2024-12-14.

Conditions:
Inborn genetic diseases. Identifiers: MedGen C0950123, MeSH D030342.

Allele frequency attached by ClinVar (database versions not stated): gnomAD exomes below 0.00001; gnomAD 0.00004; TOPMed 0.00007.
gnomAD v4.1: 5 of 1,137,369 alleles (0.00044%); highest among the groups gnomAD compares: Admixed American, 0.0088%; no homozygotes.

Submissions (2):

Ambry Genetics
Classification: Uncertain significance for Inborn genetic diseases. Last evaluated: 2024-12-14. Review status: criteria provided, single submitter. Criteria: Ambry Variant Classification Scheme 2023. Collection method: clinical testing. Allele origin: germline.

Labcorp Genetics (formerly Invitae), Labcorp
Classification: Uncertain significance. Last evaluated: 2023-08-19. Review status: criteria provided, single submitter. Criteria: Invitae Variant Classification Sherloc (09022015). Collection method: clinical testing. Allele origin: germline.
Comment: This sequence change replaces leucine, which is neutral and non-polar, with valine, which is neutral and non-polar, at codon 251 of the GPR143 protein (p.Leu251Val). This variant is not present in population databases (gnomAD no frequency). This variant has not been reported in the literature in individuals affected with GPR143-related conditions. ClinVar contains an entry for this variant (Variation ID: 1351430). Advanced modeling of protein sequence and biophysical properties (such as structural, functional, and spatial information, amino acid conservation, physicochemical variation, residue mobility, and thermodynamic stability) performed at Invitae indicates that this missense variant is expected to disrupt GPR143 protein function. Algorithms developed to predict the effect of sequence changes on RNA splicing suggest that this variant may create or strengthen a splice site. In summary, the available evidence is currently insufficient to determine the role of this variant in disease. Therefore, it has been classified as a Variant of Uncertain Significance.